The following is an entry in ClinVar:

ClinVar aggregate classification (germline): Conflicting classifications of pathogenicity. Review status: criteria provided, conflicting classifications (1 of 4 stars). 4 submissions from 4 submitters: Uncertain significance (1); Benign (3). Last evaluated 2025-08-27.

Conditions:
CHIME syndrome (CHIME). Also called: GLYCOSYLPHOSPHATIDYLINOSITOL BIOSYNTHESIS DEFECT 5; COLOBOMA, CONGENITAL HEART DISEASE, ICHTHYOSIFORM DERMATOSIS, IMPAIRED INTELLECTUAL DEVELOPMENT, AND EAR ANOMALIES SYNDROME. Identifiers: Orphanet 3474, MedGen C1848392, MONDO:0010221, OMIM 280000.

Allele frequency attached by ClinVar (database versions not stated): gnomAD exomes 0.00121; ExAC 0.00147; 1000 Genomes Project 0.00280; 1000 Genomes Project 30x 0.00297; TOPMed 0.00475; ESP Exome Variant Server 0.00492.
gnomAD v4.1: 1,381 of 1,610,170 alleles (0.086%); highest among the groups gnomAD compares: African/African-American, 1.6%; 12 homozygotes.

Submissions (4):

Labcorp Genetics (formerly Invitae), Labcorp
Classification: Benign. Last evaluated: 2025-08-27. Review status: criteria provided, single submitter. Criteria: Invitae Variant Classification Sherloc (09022015). Collection method: clinical testing. Allele origin: germline.

Mayo Clinic Laboratories, Mayo Clinic
Classification: Benign. Last evaluated: 2025-03-24. Review status: criteria provided, single submitter. Criteria: ACMG Guidelines, 2015. Collection method: clinical testing. Allele origin: germline. Observed: 2 variant alleles.
Comment: BA1, BP4, BP7

Illumina Laboratory Services, Illumina
Classification: Benign for CHIME syndrome. Last evaluated: 2018-01-13. Review status: criteria provided, single submitter. Criteria: ICSL Variant Classification Criteria 13 December 2019. Collection method: clinical testing. Allele origin: germline.
Comment: This variant was observed in the ICSL laboratory as part of a predisposition screen in an ostensibly healthy population. It had not been previously curated by ICSL or reported in the Human Gene Mutation Database (HGMD: prior to June 1st, 2018), and was therefore a candidate for classification through an automated scoring system. Utilizing variant allele frequency, disease prevalence and penetrance estimates, and inheritance mode, an automated score was calculated to assess if this variant is too frequent to cause the disease. Based on the score and internal cut-off values, a variant classified as benign is not then subjected to further curation. The score for this variant resulted in a classification of benign for this disease.

Genetic Services Laboratory, University of Chicago
Classification: Uncertain significance for CHIME syndrome. Last evaluated: 2014-04-02. Review status: criteria provided, single submitter. Criteria: ACMG Guidelines, 2007. Collection method: clinical testing. Allele origin: germline. Inheritance: Autosomal recessive inheritance.

NM_004278.4(PIGL):c.526+10G>A

Gene: PIGL (phosphatidylinositol glycan anchor biosynthesis class L; plus strand). Cytogenetic location: 17p11.2.
Variant type: single nucleotide variant.
Coding change: c.526+10G>A on transcript NM_004278.4 (MANE Select); 10 bases into the intron after coding-DNA position 526, G replaced by A.
Molecular consequence: intron variant.
Genome position (GRCh38, 1-based): chr17:16,316,722, G>A. VCF-style: chr17-16316722-G-A. GRCh37 (hg19) VCF-style: chr17-16220036-G-A.
Other names: p.?.
Identifiers: ClinVar variation 159712 (VCV000159712.21), dbSNP rs138410893, ClinGen allele CA173170.